The following is an entry in ClinVar:

ClinVar aggregate classification (germline): Uncertain significance. Review status: criteria provided, single submitter (1 of 4 stars). 2 submissions from 2 submitters: Uncertain significance (1). 1 of the submissions does not count toward it. Last evaluated 2021-04-02.

Conditions:
Alstrom syndrome (ALMS). Identifiers: Orphanet 64, MedGen C0268425, MONDO:0008763, OMIM 203800.

Allele frequency attached by ClinVar (database versions not stated): TOPMed below 0.00001; gnomAD exomes 0.00001 and 0.00002; ExAC 0.00002.
gnomAD v4.1: 15 of 1,614,072 alleles (0.00093%); highest among the groups gnomAD compares: South Asian, 0.016%; no homozygotes.

Submissions (2):

Labcorp Genetics (formerly Invitae), Labcorp
Classification: Uncertain significance for Alstrom syndrome. Last evaluated: 2021-04-02. Review status: criteria provided, single submitter. Criteria: Invitae Variant Classification Sherloc (09022015). Collection method: clinical testing. Allele origin: germline.
Comment: This sequence change replaces alanine with serine at codon 3362 of the ALMS1 protein (p.Ala3362Ser). The alanine residue is moderately conserved and there is a moderate physicochemical difference between alanine and serine. This variant is present in population databases (rs770904502, ExAC 0.01%). This variant has not been reported in the literature in individuals with ALMS1-related conditions. ClinVar contains an entry for this variant (Variation ID: 555698). Experimental studies and prediction algorithms are not available or were not evaluated, and the functional significance of this variant is currently unknown. In summary, the available evidence is currently insufficient to determine the role of this variant in disease. Therefore, it has been classified as a Variant of Uncertain Significance.

Counsyl
Classification: Uncertain significance for Alstrom syndrome. Last evaluated: 2017-12-28. Review status: no assertion criteria provided. Collection method: clinical testing. Allele origin: unknown. Not counted in ClinVar's aggregate classification.

NM_001378454.1(ALMS1):c.10081G>T (p.Ala3361Ser)

Gene: ALMS1 (ALMS1 centrosome and basal body associated protein; plus strand). Cytogenetic location: 2p13.1.
Variant type: single nucleotide variant.
Coding change: c.10081G>T on transcript NM_001378454.1 (MANE Select); coding-DNA position 10081, G replaced by T.
Protein change: p.Ala3361Ser; replaces alanine 3361 with serine.
Molecular consequence: missense variant.
Genome position (GRCh38, 1-based): chr2:73,557,222, G>T. VCF-style: chr2-73557222-G-T. GRCh37 (hg19) VCF-style: chr2-73784349-G-T.
Other names: c.10084G>T, p.Ala3362Ser (NM_015120.4); short protein forms A3362S, A3361S.
Identifiers: ClinVar variation 555698 (VCV000555698.4), dbSNP rs770904502, ClinGen allele CA1714877.